The following is an entry in ClinVar:

NM_001378454.1(ALMS1):c.2687del (p.Gln896fs)

Gene: ALMS1 (ALMS1 centrosome and basal body associated protein; plus strand). Cytogenetic location: 2p13.1.
Variant type: Deletion.
Coding change: c.2687del on transcript NM_001378454.1 (MANE Select); coding-DNA position 2687, one base deleted (A; older notation c.2687delA).
Protein change: p.Gln896fs; shifts the reading frame from glutamine 896.
Molecular consequence: frameshift variant.
Genome position (GRCh38, 1-based): chr2:73,449,214, A deleted. VCF-style (leftmost placement, unchanged base first): chr2-73449213-CA-C. GRCh37 (hg19) VCF-style: chr2-73676340-CA-C.
Other names: c.2690del, p.Gln897fs (NM_015120.4); short protein forms Q897fs, Q896fs.
Identifiers: ClinVar variation 1450078 (VCV001450078.7), dbSNP rs2103776149, ClinGen allele CA2573135751.

ClinVar aggregate classification (germline): Pathogenic/Likely pathogenic. Review status: criteria provided, multiple submitters, no conflicts (2 of 4 stars). 2 submissions from 2 submitters: Pathogenic (1); Likely pathogenic (1). Last evaluated 2023-05-27.

Conditions:
ALMS1-related disorder. Also called: ALMS1-related condition.
Alstrom syndrome (ALMS). Identifiers: Orphanet 64, MedGen C0268425, MONDO:0008763, OMIM 203800.

Submissions (2):

Labcorp Genetics (formerly Invitae), Labcorp
Classification: Pathogenic for Alstrom syndrome. Last evaluated: 2023-05-27. Review status: criteria provided, single submitter. Criteria: Invitae Variant Classification Sherloc (09022015). Collection method: clinical testing. Allele origin: germline.
Comment: For these reasons, this variant has been classified as Pathogenic. ClinVar contains an entry for this variant (Variation ID: 1450078). This variant has not been reported in the literature in individuals affected with ALMS1-related conditions. This variant is not present in population databases (gnomAD no frequency). This sequence change creates a premature translational stop signal (p.Gln897Argfs*37) in the ALMS1 gene. It is expected to result in an absent or disrupted protein product. Loss-of-function variants in ALMS1 are known to be pathogenic (PMID: 17594715).

Blueprint Genetics
Classification: Likely pathogenic for ALMS1-related disorders. Last evaluated: 2022-09-08. Review status: criteria provided, single submitter. Criteria: ACMG Guidelines, 2015. Collection method: clinical testing. Allele origin: germline. Affected: yes. Observed: 1 variant allele.

Literature cited by the submitters: PubMed 17594715 (cited by Labcorp Genetics (formerly Invitae), Labcorp).